The following is an entry in ClinVar:

ClinVar aggregate classification (germline): Uncertain significance (3 of 4 stars; one submission).

Conditions:
Open-angle glaucoma. Identifiers: MedGen C0017612, MONDO:0005338, HP:0012108.

gnomAD v4.1: 1 of 1,614,200 alleles (0.000062%); highest among the groups gnomAD compares: East Asian, 0.0022%; no homozygotes.

Submission:

ClinGen Glaucoma Variant Curation Expert Panel
Classification: Uncertain significance for Open-angle glaucoma. Last evaluated: 2026-01-12. Review status: reviewed by expert panel. Criteria: ClinGen Glaucoma ACMG Specifications V2.0.0 Approved. Collection method: curation. Allele origin: germline. Inheritance: Autosomal dominant inheritance.
Comment: The c.683T>C variant in MYOC is a missense variant predicted to cause substitution of Leucine by Serine at amino acid 228 (p.Leu228Ser). The highest minor allele frequency of this variant was in the East Asian genetic ancestry group of gnomAD (v4.1.0) = 0.00002228 (1 allele out of 44,886), which met the ≤ 0.0001 threshold set for PM2_Supporting in a genetic ancestry group of at least 10,000 alleles. The REVEL score = 0.362, which was neither above nor below the thresholds for PP3 (≥ 0.644) or BP4 (≤ 0.290), predicting a damaging or benign impact on MYOC function. There was no functional evidence predicting a damaging or benign impact of this variant on MYOC function. This variant has not yet been identified in a proband with juvenile or primary open angle glaucoma, therefore PS4 did not apply. In summary, this variant met the criteria to receive a score of 1 and to be classified as a variant of uncertain significance (uncertain significance classification range -1 to 5, adapted from PMID: 32720330) for primary open angle glaucoma based on the ACMG/AMP criteria met, as specified by the ClinGen Glaucoma VCEP (v2.0.0, 5 Dec 2024): PM2_Supporting.

NM_000261.2(MYOC):c.683T>C (p.Leu228Ser)

Gene: MYOC (myocilin; minus strand). Cytogenetic location: 1q24.3.
Variant type: single nucleotide variant.
Coding change: c.683T>C on transcript NM_000261.2 (MANE Select); coding-DNA position 683, T replaced by C.
Protein change: p.Leu228Ser; replaces leucine 228 with serine.
Molecular consequence: missense variant.
Genome position (GRCh38, 1-based): chr1:171,638,644, A>G on the plus strand (T>C on the coding strand, the complement: MYOC is on the minus strand). VCF-style: chr1-171638644-A-G. GRCh37 (hg19) VCF-style: chr1-171607784-A-G.
Other names: NM_000261.2:c.683T>C; short protein forms L228S.
Identifiers: ClinVar variation 2500836 (VCV002500836.2), dbSNP rs776482862, ClinGen allele CA343726991.